The following is an entry in ClinVar:

ClinVar aggregate classification (germline): Uncertain significance (1 of 4 stars; one submission).

Conditions:
Gorlin syndrome. Also called: Basal cell nevus syndrome; Nevoid Basal Cell Carcinoma Syndrome. Identifiers: Orphanet 377, MedGen C0004779, MONDO:0007187.

Submission:

Labcorp Genetics (formerly Invitae), Labcorp
Classification: Uncertain significance for Gorlin syndrome. Last evaluated: 2022-09-25. Review status: criteria provided, single submitter. Criteria: Invitae Variant Classification Sherloc (09022015). Collection method: clinical testing. Allele origin: germline.
Comment: In summary, the available evidence is currently insufficient to determine the role of this variant in disease. Therefore, it has been classified as a Variant of Uncertain Significance. Experimental studies and prediction algorithms are not available or were not evaluated, and the functional significance of this variant is currently unknown. This variant has not been reported in the literature in individuals affected with PTCH1-related conditions. This variant is present in population databases (rs749622879, gnomAD 0.0009%). This sequence change results in a frameshift in the PTCH1 gene (p.Cys1398Serfs*55). While this is not anticipated to result in nonsense mediated decay, it is expected to disrupt the last 50 amino acid(s) of the PTCH1 protein and extend the protein by 4 additional amino acid residues.

NM_000264.5(PTCH1):c.4191_4192dup (p.Cys1398fs)

Gene: PTCH1 (patched 1; minus strand). Cytogenetic location: 9q22.32.
Variant type: Microsatellite.
Coding change: c.4191_4192dup on transcript NM_000264.5 (MANE Select); coding-DNA positions 4191 to 4192, 2 bases duplicated (CT; older notation c.4191_4192dupCT).
Protein change: p.Cys1398fs; shifts the reading frame from cysteine 1398.
Molecular consequence: frameshift variant. On other transcripts: non-coding transcript variant (1).
Genome position (GRCh38, 1-based): chr9:95,447,064-95,447,065, AG duplicated on the plus strand (CT on the coding strand, the reverse complement: PTCH1 is on the minus strand); duplicating any 2 consecutive bases within chr9:95,447,064-95,447,067 gives the same sequence; the c. name uses the placement nearest the transcript's 3' end. VCF-style (leftmost placement, unchanged base first): chr9-95447063-C-CAG. GRCh37 (hg19) VCF-style: chr9-98209345-C-CAG.
Other names: c.3993_3994dup, p.Cys1332fs (NM_001083602.3); c.4188_4189dup, p.Cys1397fs (NM_001083603.3); c.3738_3739dup, p.Cys1247fs (NM_001083604.3, NM_001083605.3, NM_001083606.3 and 1 more transcripts); c.4035_4036dup, p.Cys1346fs (NM_001354918.2); short protein forms C1332fs, C1397fs, C1247fs, C1346fs, C1398fs.
Identifiers: ClinVar variation 2032608 (VCV002032608.4), dbSNP rs749622879, ClinGen allele CA5137925.
Genomic context (GRCh38, chr9:95,447,063, plus strand): 5'-ACGTGGAAAGGCACGTGGGGGTCCTCAAACAGGCCGTGGTCAGTCTCAGGGTAGCCTGGG[C>CAG]AGAGTCCCCCTCGGGGGTTCCGCCCAGGCCCAGGGACAGGCGGCGGGTGCACGGCGACAG-3'